The following is an entry in ClinVar:

NM_001126108.2(SLC12A3):c.602-2A>G

Gene: SLC12A3 (solute carrier family 12 member 3; plus strand). Cytogenetic location: 16q13.
Variant type: single nucleotide variant.
Coding change: c.602-2A>G on transcript NM_001126108.2 (MANE Select); the canonical splice acceptor site of the intron before coding-DNA position 602, A replaced by G.
Molecular consequence: splice acceptor variant.
Genome position (GRCh38, 1-based): chr16:56,870,094, A>G. VCF-style: chr16-56870094-A-G. GRCh37 (hg19) VCF-style: chr16-56904006-A-G.
Other names: c.602-2A>G (NM_000339.3, NM_000339.2); c.599-2A>G (NM_001126107.2, NM_001410896.1).
Identifiers: ClinVar variation 1459098 (VCV001459098.9), dbSNP rs766670862, ClinGen allele CA8069129.

ClinVar aggregate classification (germline): Pathogenic. Review status: criteria provided, multiple submitters, no conflicts (2 of 4 stars). 3 submissions from 3 submitters: Pathogenic (3). Last evaluated 2025-09-30.

Conditions:
Familial hypokalemia-hypomagnesemia (GTLMNS). Also called: HYPOMAGNESEMIA-HYPOKALEMIA, PRIMARY RENOTUBULAR, WITH HYPOCALCIURIA; POTASSIUM AND MAGNESIUM DEPLETION; gitelman syndrome. Identifiers: Orphanet 358, MedGen C0268450, MONDO:0009904, OMIM 263800.
SLC12A3-related disorder. Also called: SLC12A3-related condition.

Allele frequency attached by ClinVar (database versions not stated): ExAC 0.00001; gnomAD 0.00001; gnomAD exomes 0.00001 and 0.00002; TOPMed 0.00002.
gnomAD v4.1: 24 of 1,612,788 alleles (0.0015%); highest among the groups gnomAD compares: Non-Finnish European, 0.0019%; no homozygotes.

Submissions (3):

Natera, Inc.
Classification: Pathogenic for Gitelman syndrome. Last evaluated: 2025-09-30. Review status: criteria provided, single submitter. Criteria: Natera Variant Classification Schema (03/2026). Collection method: clinical testing. Allele origin: germline.
Comment: The c.602-2A>G variant in SLC12A3 is a canonical splice acceptor site variant predicted to affect pre-mRNA splicing, which may result in an abnormal transcript and altered protein product. This variant is expected to result in nonsense mediated decay, truncation, or a dysfunctional protein product. This variant is rare in the general population with a frequency below the threshold expected for the associated phenotype(s). This variant has been observed in one or more individuals affected with the associated recessive disease, as either homozygous or compound heterozygous with a second variant (PMID: 21415153). Given the available evidence, this variant is classified as Pathogenic.

Labcorp Genetics (formerly Invitae), Labcorp
Classification: Pathogenic. Last evaluated: 2023-12-14. Review status: criteria provided, single submitter. Criteria: Invitae Variant Classification Sherloc (09022015). Collection method: clinical testing. Allele origin: germline.
Comment: This sequence change affects an acceptor splice site in intron 4 of the SLC12A3 gene. It is expected to disrupt RNA splicing. Variants that disrupt the donor or acceptor splice site typically lead to a loss of protein function (PMID: 16199547), and loss-of-function variants in SLC12A3 are known to be pathogenic (PMID: 20848653, 22009145, 25841442). This variant is present in population databases (rs766670862, gnomAD 0.002%). Disruption of this splice site has been observed in individuals with Gitelman syndrome (PMID: 21415153). ClinVar contains an entry for this variant (Variation ID: 1459098). Algorithms developed to predict the effect of sequence changes on RNA splicing suggest that this variant may disrupt the consensus splice site. For these reasons, this variant has been classified as Pathogenic.

Blueprint Genetics
Classification: Pathogenic for SLC12A3-related disorders. Last evaluated: 2023-11-28. Review status: criteria provided, single submitter. Criteria: ACMG Guidelines, 2015. Collection method: clinical testing. Allele origin: germline. Affected: yes. Observed: 5 variant alleles.

Literature cited by the submitters: PubMed 21415153 (cited by Natera, Inc. and Labcorp Genetics (formerly Invitae), Labcorp); PubMed 16199547 (cited by Labcorp Genetics (formerly Invitae), Labcorp); PubMed 20848653 (cited by Labcorp Genetics (formerly Invitae), Labcorp); PubMed 22009145 (cited by Labcorp Genetics (formerly Invitae), Labcorp); PubMed 25841442 (cited by Labcorp Genetics (formerly Invitae), Labcorp).